The following is an entry in ClinVar:

NC_000020.11:g.36935169_36935190dup

Gene: SAMHD1 (SAM and HD domain containing deoxynucleoside triphosphate triphosphohydrolase 1; minus strand). Cytogenetic location: 20q11.23.
Variant type: Duplication.
Genome position: GRCh38 VCF-style: chr20-36935166-G-GCCATGGATAGGATCATTAATTA. GRCh37 (hg19) VCF-style: chr20-35563569-G-GCCATGGATAGGATCATTAATTA.
Identifiers: ClinVar variation 2026662 (VCV002026662.5), dbSNP rs2515264339, ClinGen allele CA2580098153.

ClinVar aggregate classification (germline): Pathogenic (1 of 4 stars; one submission).

Conditions:
Aicardi-Goutieres syndrome 5. Identifiers: Orphanet 51, MedGen C2749659, MONDO:0013059, OMIM 612952.

Submission:

Labcorp Genetics (formerly Invitae), Labcorp
Classification: Pathogenic for Aicardi-Goutieres syndrome 5. Last evaluated: 2023-06-23. Review status: criteria provided, single submitter. Criteria: Invitae Variant Classification Sherloc (09022015). Collection method: clinical testing. Allele origin: germline.
Comment: This sequence change creates a premature translational stop signal (p.His125Asnfs*2) in the SAMHD1 gene. It is expected to result in an absent or disrupted protein product. Loss-of-function variants in SAMHD1 are known to be pathogenic (PMID: 19525956, 22461318). This variant is not present in population databases (gnomAD no frequency). This variant has not been reported in the literature in individuals affected with SAMHD1-related conditions. ClinVar contains an entry for this variant (Variation ID: 2026662). Algorithms developed to predict the effect of sequence changes on RNA splicing suggest that this variant may disrupt the consensus splice site. For these reasons, this variant has been classified as Pathogenic.

Literature cited by the submitters: PubMed 19525956; PubMed 22461318.